The following is an entry in ClinVar:

NM_000844.4(GRM7):c.847G>A (p.Val283Ile)

Gene: GRM7 (glutamate metabotropic receptor 7; plus strand). Cytogenetic location: 3p26.1.
Variant type: single nucleotide variant.
Coding change: c.847G>A on transcript NM_000844.4 (MANE Select); coding-DNA position 847, G replaced by A.
Protein change: p.Val283Ile; replaces valine 283 with isoleucine.
Molecular consequence: missense variant.
Genome position (GRCh38, 1-based): chr3:7,298,794, G>A. VCF-style: chr3-7298794-G-A. GRCh37 (hg19) VCF-style: chr3-7340481-G-A.
Other names: c.847G>A, p.Val283Ile (NM_181874.3); short protein forms V283I.
Identifiers: ClinVar variation 1944119 (VCV001944119.30), dbSNP rs1284213715, ClinGen allele CA351797888.
Genomic context (GRCh38, chr3:7,298,794, plus strand): 5'-AGGACCATTGACTTTGATAGAATTATCAAACAGCTCCTGGACACCCCCAACTCCAGGGCC[G>A]TCGTGATTTTTGCCAACGATGAGGATATAAAGTAAGAATAACTGGTGACAATTGTTAATA-3'
Protein context (NP_000835.1, residues 273-293): QLLDTPNSRA[Val283Ile]VIFANDEDIK

ClinVar aggregate classification (germline): Uncertain significance. Review status: criteria provided, multiple submitters, no conflicts (2 of 4 stars). 2 submissions from 2 submitters: Uncertain significance (2). Last evaluated 2023-07-01.

Allele frequency attached by ClinVar (database versions not stated): TOPMed below 0.00001; gnomAD 0.00001; gnomAD exomes 0.00001.
gnomAD v4.1: 17 of 1,613,502 alleles (0.0011%); highest among the groups gnomAD compares: East Asian, 0.0022%; no homozygotes.

Submissions (2):

CeGaT Center for Human Genetics Tuebingen
Classification: Uncertain significance. Last evaluated: 2023-07-01. Review status: criteria provided, single submitter. Criteria: CeGaT Center For Human Genetics Tuebingen Variant Classification Criteria Version 2. Collection method: clinical testing. Allele origin: germline. Affected: yes. Observed: 1 variant allele.
Comment: GRM7: PM2, BP4

Labcorp Genetics (formerly Invitae), Labcorp
Classification: Uncertain significance. Last evaluated: 2022-03-11. Review status: criteria provided, single submitter. Criteria: Invitae Variant Classification Sherloc (09022015). Collection method: clinical testing. Allele origin: germline.
Comment: In summary, the available evidence is currently insufficient to determine the role of this variant in disease. Therefore, it has been classified as a Variant of Uncertain Significance. Algorithms developed to predict the effect of missense changes on protein structure and function output the following: SIFT: "Tolerated"; PolyPhen-2: "Benign"; Align-GVGD: "Class C0". The isoleucine amino acid residue is found in multiple mammalian species, which suggests that this missense change does not adversely affect protein function. This variant has not been reported in the literature in individuals affected with GRM7-related conditions. This variant is present in population databases (no rsID available, gnomAD 0.0009%). This sequence change replaces valine, which is neutral and non-polar, with isoleucine, which is neutral and non-polar, at codon 283 of the GRM7 protein (p.Val283Ile).